The following is an entry in ClinVar:

ClinVar aggregate classification (germline): Uncertain significance (1 of 4 stars; one submission).

Conditions:
Pontocerebellar hypoplasia type 9. Identifiers: Orphanet 369920, MedGen C4014354, MONDO:0014351, OMIM 615809.
Hereditary spastic paraplegia 63. Also called: Spastic paraplegia 63, autosomal recessive. Identifiers: Orphanet 401805, MedGen C3810295, MONDO:0014305, OMIM 615686.

Submission:

Labcorp Genetics (formerly Invitae), Labcorp
Classification: Uncertain significance for Pontocerebellar hypoplasia type 9; Hereditary spastic paraplegia 63. Last evaluated: 2022-02-10. Review status: criteria provided, single submitter. Criteria: Invitae Variant Classification Sherloc (09022015). Collection method: clinical testing. Allele origin: germline.
Comment: In summary, the available evidence is currently insufficient to determine the role of this variant in disease. Therefore, it has been classified as a Variant of Uncertain Significance. Experimental studies and prediction algorithms are not available or were not evaluated, and the functional significance of this variant is currently unknown. ClinVar contains an entry for this variant (Variation ID: 956565). This variant has not been reported in the literature in individuals affected with AMPD2-related conditions. This variant is not present in population databases (gnomAD no frequency). This variant, c.1017_1019del, results in the deletion of 1 amino acid(s) of the AMPD2 protein (p.Asp339del), but otherwise preserves the integrity of the reading frame.

NM_001368809.2(AMPD2):c.852CGA[1] (p.Asp285del)

Gene: AMPD2 (adenosine monophosphate deaminase 2; plus strand). Cytogenetic location: 1p13.3.
Variant type: Microsatellite.
Coding change: c.852CGA[1] on transcript NM_001368809.2 (MANE Select); one copy of the 3-base unit CGA starting at c.852; the reference has two copies in a row; one copy, 3 bases deleted.
Protein change: p.Asp285del; deletes aspartic acid 285.
Molecular consequence: inframe deletion.
Genome position (GRCh38, 1-based): chr1:109,627,311-109,627,313, CGA deleted; deleting any 3 consecutive bases within chr1:109,627,308-109,627,313 gives the same sequence; the position shown is the placement nearest the transcript's 3' end. VCF-style (leftmost placement, unchanged base first): chr1-109627307-CCGA-C. GRCh37 (hg19) VCF-style: chr1-110169929-CCGA-C.
Other names: c.1017_1019del (NM_001257360.1); c.660CGA[1], p.Asp221del (NM_001257361.2); c.789CGA[1], p.Asp264del (NM_001308170.1); c.852CGA[1], p.Asp285del (NM_004037.9); c.771CGA[1], p.Asp258del (NM_139156.4); short protein forms D258del, D221del, D264del, D285del.
Identifiers: ClinVar variation 956565 (VCV000956565.9), dbSNP rs1650781134, ClinGen allele CA1188178882.